The following is an entry in ClinVar:

NM_001199138.2(NLRC4):c.1621A>G (p.Thr541Ala)

Gene: NLRC4 (NLR family CARD domain containing 4; minus strand). Cytogenetic location: 2p22.3.
Variant type: single nucleotide variant.
Coding change: c.1621A>G on transcript NM_001199138.2 (MANE Select); coding-DNA position 1621, A replaced by G.
Protein change: p.Thr541Ala; replaces threonine 541 with alanine.
Molecular consequence: missense variant. On other transcripts: intron variant (1).
Genome position (GRCh38, 1-based): chr2:32,250,243, T>C on the plus strand (A>G on the coding strand, the complement: NLRC4 is on the minus strand). VCF-style: chr2-32250243-T-C. GRCh37 (hg19) VCF-style: chr2-32475312-T-C.
Other names: c.1621A>G, p.Thr541Ala (NM_001199139.2, NM_021209.5); c.262+2176A>G (NM_001302504.1); short protein forms T541A.
Identifiers: ClinVar variation 959191 (VCV000959191.9), dbSNP rs1687038730, ClinGen allele CA346512071.

ClinVar aggregate classification (germline): Uncertain significance (1 of 4 stars; one submission).

Conditions:
Periodic fever-infantile enterocolitis-autoinflammatory syndrome. Also called: Autoinflammation with infantile enterocolitis. Identifiers: Orphanet 436166, MedGen C4015067, MONDO:0014472, OMIM 616050.
Familial cold autoinflammatory syndrome 4 (FCAS4). Identifiers: Orphanet 47045, Orphanet 576349, MedGen C4015276, MONDO:0014498, OMIM 616115.

Submission:

Labcorp Genetics (formerly Invitae), Labcorp
Classification: Uncertain significance for Periodic fever-infantile enterocolitis-autoinflammatory syndrome; Familial cold autoinflammatory syndrome 4. Last evaluated: 2025-08-16. Review status: criteria provided, single submitter. Criteria: Invitae Variant Classification Sherloc (09022015). Collection method: clinical testing. Allele origin: germline.
Comment: This sequence change replaces threonine, which is neutral and polar, with alanine, which is neutral and non-polar, at codon 541 of the NLRC4 protein (p.Thr541Ala). This variant is not present in population databases (gnomAD no frequency). This variant has not been reported in the literature in individuals affected with NLRC4-related conditions. ClinVar contains an entry for this variant (Variation ID: 959191). Invitae Evidence Modeling of protein sequence and biophysical properties (such as structural, functional, and spatial information, amino acid conservation, physicochemical variation, residue mobility, and thermodynamic stability) indicates that this missense variant is not expected to disrupt NLRC4 protein function with a negative predictive value of 80%. In summary, the available evidence is currently insufficient to determine the role of this variant in disease. Therefore, it has been classified as a Variant of Uncertain Significance.